The following is an entry in ClinVar:

NM_006231.4(POLE):c.3318G>T (p.Arg1106Ser)

Gene: POLE (DNA polymerase epsilon, catalytic subunit; minus strand). Cytogenetic location: 12q24.33.
Variant type: single nucleotide variant.
Coding change: c.3318G>T on transcript NM_006231.4 (MANE Select); coding-DNA position 3318, G replaced by T.
Protein change: p.Arg1106Ser; replaces arginine 1106 with serine.
Molecular consequence: missense variant.
Genome position (GRCh38, 1-based): chr12:132,657,928, C>A on the plus strand (G>T on the coding strand, the complement: POLE is on the minus strand). VCF-style: chr12-132657928-C-A. GRCh37 (hg19) VCF-style: chr12-133234514-C-A.
Other names: c.3318G>T (NM_006231.2); short protein forms R1106S.
Identifiers: ClinVar variation 560843 (VCV000560843.10), dbSNP rs760237541, ClinGen allele CA246315199.

ClinVar aggregate classification (germline): Uncertain significance. Review status: criteria provided, multiple submitters, no conflicts (2 of 4 stars). 3 submissions from 3 submitters: Uncertain significance (3). Last evaluated 2025-09-08.

Conditions:
Hereditary cancer-predisposing syndrome. Also called: Hereditary neoplastic syndrome; Neoplastic Syndromes, Hereditary; Tumor predisposition; Hereditary Cancer Syndrome. Identifiers: Orphanet 140162, MedGen C0027672, MeSH D009386, MONDO:0015356.

Allele frequency attached by ClinVar (database versions not stated): TOPMed 0.00001.

Submissions (3):

Ambry Genetics
Classification: Uncertain significance for Hereditary cancer-predisposing syndrome. Last evaluated: 2025-09-08. Review status: criteria provided, single submitter. Criteria: Ambry Variant Classification Scheme 2023. Collection method: clinical testing. Allele origin: germline.
Comment: The p.R1106S variant (also known as c.3318G>T), located in coding exon 27 of the POLE gene, results from a G to T substitution at nucleotide position 3318. The arginine at codon 1106 is replaced by serine, an amino acid with dissimilar properties. This amino acid position is highly conserved in available vertebrate species. In addition, this alteration is predicted to be tolerated by in silico analysis. Based on the available evidence, the clinical significance of this variant remains unclear.

Labcorp Genetics (formerly Invitae), Labcorp
Classification: Uncertain significance. Last evaluated: 2024-02-01. Review status: criteria provided, single submitter. Criteria: Invitae Variant Classification Sherloc (09022015). Collection method: clinical testing. Allele origin: germline.
Comment: This sequence change replaces arginine, which is basic and polar, with serine, which is neutral and polar, at codon 1106 of the POLE protein (p.Arg1106Ser). This variant is not present in population databases (gnomAD no frequency). This variant has not been reported in the literature in individuals affected with POLE-related conditions. ClinVar contains an entry for this variant (Variation ID: 560843). Advanced modeling of protein sequence and biophysical properties (such as structural, functional, and spatial information, amino acid conservation, physicochemical variation, residue mobility, and thermodynamic stability) performed at Invitae indicates that this missense variant is not expected to disrupt POLE protein function with a negative predictive value of 80%. Algorithms developed to predict the effect of sequence changes on RNA splicing suggest that this variant may disrupt the consensus splice site. In summary, the available evidence is currently insufficient to determine the role of this variant in disease. Therefore, it has been classified as a Variant of Uncertain Significance.

PreventionGenetics, part of Exact Sciences
Classification: Uncertain significance. Last evaluated: 2018-01-11. Review status: criteria provided, single submitter. Criteria: ACMG Guidelines, 2015. Collection method: clinical testing. Allele origin: germline.